The following is an entry in ClinVar:

NM_001085411.3(NADK2):c.103C>T (p.Pro35Ser)

Genes: NADK2 (NAD kinase 2, mitochondrial; minus strand), LOC129993801 (ATAC-STARR-seq lymphoblastoid silent region 15972; plus strand). Cytogenetic location: 5p13.2.
Variant type: single nucleotide variant.
Coding change: c.103C>T on transcript NM_001085411.3 (MANE Select); coding-DNA position 103, C replaced by T.
Protein change: p.Pro35Ser; replaces proline 35 with serine.
Molecular consequence: missense variant. On other transcripts: intron variant (2).
Genome position (GRCh38, 1-based): chr5:36,241,696, G>A on the plus strand (C>T on the coding strand, the complement: NADK2 is on the minus strand). VCF-style: chr5-36241696-G-A. GRCh37 (hg19) VCF-style: chr5-36241798-G-A.
Other names: c.-190+400C>T (NM_153013.5, NM_001287341.2); short protein forms P35S.
Identifiers: ClinVar variation 1976806 (VCV001976806.5), dbSNP rs1748135150, ClinGen allele CA359448004.
Genomic context (GRCh38, chr5:36,241,696, plus strand): 5'-GCTCGCGCGGCTGCCCCTGCCCCAGGTGCCGCCGGCCGCCACCGTCACCGCCCAGCCGGG[G>A]CCGCGCGGCGGGGCCTCCCGCACCCGGTCCCCGCAGCGCCGCCGCCCGGCCGCCCGCCAC-3'
Protein context (NP_001078880.1, residues 25-45): GPGAGGPAAR[Pro35Ser]RLGGDGGGRR

ClinVar aggregate classification (germline): Uncertain significance (1 of 4 stars; one submission).

Conditions:
Progressive encephalopathy with leukodystrophy due to DECR deficiency. Identifiers: Orphanet 431361, MedGen C1857252, MONDO:0014464, OMIM 616034.

Allele frequency attached by ClinVar (database versions not stated): gnomAD exomes below 0.00001.
gnomAD v4.1: 1 of 1,134,618 alleles (0.000088%); highest among the groups gnomAD compares: Non-Finnish European, 0.00011%; no homozygotes.

Submission:

Labcorp Genetics (formerly Invitae), Labcorp
Classification: Uncertain significance for Progressive encephalopathy with leukodystrophy due to DECR deficiency. Last evaluated: 2024-11-04. Review status: criteria provided, single submitter. Criteria: Invitae Variant Classification Sherloc (09022015). Collection method: clinical testing. Allele origin: germline.
Comment: This sequence change replaces proline, which is neutral and non-polar, with serine, which is neutral and polar, at codon 35 of the NADK2 protein (p.Pro35Ser). The frequency data for this variant in the population databases is considered unreliable, as metrics indicate insufficient coverage at this position in the gnomAD database. This variant has not been reported in the literature in individuals affected with NADK2-related conditions. ClinVar contains an entry for this variant (Variation ID: 1976806). An algorithm developed to predict the effect of missense changes on protein structure and function (PolyPhen-2) suggests that this variant is likely to be tolerated. In summary, the available evidence is currently insufficient to determine the role of this variant in disease. Therefore, it has been classified as a Variant of Uncertain Significance.